The following is an entry in ClinVar:

ClinVar aggregate classification (germline): Uncertain significance. Review status: criteria provided, multiple submitters, no conflicts (2 of 4 stars). 2 submissions from 2 submitters: Uncertain significance (2). Last evaluated 2026-03-31.

Allele frequency attached by ClinVar (database versions not stated): gnomAD 0.00009; ExAC 0.00008; TOPMed 0.00013; ESP Exome Variant Server 0.00024.
gnomAD v4.1: 100 of 1,613,836 alleles (0.0062%); highest among the groups gnomAD compares: African/African-American, 0.037%; no homozygotes.

Submissions (2):

GeneDx
Classification: Uncertain significance. Last evaluated: 2026-03-31. Review status: criteria provided, single submitter. Criteria: GeneDx Variant Classification Process June 2021. Collection method: clinical testing. Allele origin: germline.
Comment: In silico analysis does not support a benign or deleterious effect of this variant on protein structure/function; Has not been previously published as pathogenic or benign to our knowledge

Labcorp Genetics (formerly Invitae), Labcorp
Classification: Uncertain significance. Last evaluated: 2022-03-17. Review status: criteria provided, single submitter. Criteria: Invitae Variant Classification Sherloc (09022015). Collection method: clinical testing. Allele origin: germline.
Comment: This sequence change replaces arginine, which is basic and polar, with histidine, which is basic and polar, at codon 223 of the VPS11 protein (p.Arg223His). This variant is present in population databases (rs200201798, gnomAD 0.03%). This variant has not been reported in the literature in individuals affected with VPS11-related conditions. Experimental studies and prediction algorithms are not available or were not evaluated, and the functional significance of this variant is currently unknown. In summary, the available evidence is currently insufficient to determine the role of this variant in disease. Therefore, it has been classified as a Variant of Uncertain Significance.

NM_021729.6(VPS11):c.668G>A (p.Arg223His)

Gene: VPS11 (VPS11 core subunit of CORVET and HOPS complexes; plus strand). Cytogenetic location: 11q23.3.
Variant type: single nucleotide variant.
Coding change: c.668G>A on transcript NM_021729.6 (MANE Select); coding-DNA position 668, G replaced by A.
Protein change: p.Arg223His; replaces arginine 223 with histidine.
Molecular consequence: missense variant. On other transcripts: non-coding transcript variant (5).
Genome position (GRCh38, 1-based): chr11:119,071,627, G>A. VCF-style: chr11-119071627-G-A. GRCh37 (hg19) VCF-style: chr11-118942337-G-A.
Other names: c.638G>A, p.Arg213His (NM_001290185.2); c.680G>A, p.Arg227His (NM_001378218.1); c.668G>A, p.Arg223His (NM_001378219.1, NM_001378220.1); c.650G>A, p.Arg217His (NM_001378221.1); c.668G>A (NM_021729.5); short protein forms R217H, R227H, R213H, R223H.
Identifiers: ClinVar variation 2192775 (VCV002192775.2), dbSNP rs200201798, ClinGen allele CA6313251.